The following is an entry in ClinVar:

ClinVar aggregate classification (germline): Uncertain significance (1 of 4 stars; one submission).

Conditions:
Malignant hyperthermia, susceptibility to, 5 (MHS5). Also called: CACNA1S-Related Malignant Hyperthermia Susceptibility. Identifiers: Orphanet 423, MedGen C1866077, MONDO:0011163, OMIM 601887.

Submission:

Color Diagnostics, LLC DBA Color Health
Classification: Uncertain significance for Malignant hyperthermia, susceptibility to, 5. Last evaluated: 2025-06-30. Review status: criteria provided, single submitter. Criteria: ACMG Guidelines, 2015. Collection method: clinical testing. Allele origin: germline.
Comment: This missense variant replaces leucine with proline at codon 36 of the CACNA1S protein. Computational prediction is inconclusive regarding the impact of this variant on protein structure and function. To our knowledge, functional studies have not been reported for this variant. This variant has not been reported in individuals affected with CACNA1S-related disorders in the literature. This variant has not been identified in the general population by the Genome Aggregation Database (gnomAD). The available evidence is insufficient to determine the role of this variant in disease conclusively. Therefore, this variant is classified as a Variant of Uncertain Significance.

NM_000069.3(CACNA1S):c.107T>C (p.Leu36Pro)

Gene: CACNA1S (calcium voltage-gated channel subunit alpha1 S; minus strand). Cytogenetic location: 1q32.1.
Variant type: single nucleotide variant.
Coding change: c.107T>C on transcript NM_000069.3 (MANE Select); coding-DNA position 107, T replaced by C.
Protein change: p.Leu36Pro; replaces leucine 36 with proline.
Molecular consequence: missense variant.
Genome position (GRCh38, 1-based): chr1:201,112,233, A>G on the plus strand (T>C on the coding strand, the complement: CACNA1S is on the minus strand). VCF-style: chr1-201112233-A-G. GRCh37 (hg19) VCF-style: chr1-201081361-A-G.
Other names: short protein forms L36P.
Identifiers: ClinVar variation 4757550 (VCV004757550.1).